The following is an entry in ClinVar:

ClinVar aggregate classification (germline): Pathogenic. Review status: criteria provided, multiple submitters, no conflicts (2 of 4 stars). 2 submissions from 2 submitters: Pathogenic (2). Last evaluated 2017-05-30.

Conditions:
Ectopic tissue. Also called: Heterotopia. Identifiers: MedGen C0008519.

Submissions (2):

GeneDx
Classification: Pathogenic. Last evaluated: 2017-05-30. Review status: criteria provided, single submitter. Criteria: GeneDx Variant Classification (06012015). Collection method: clinical testing. Allele origin: germline. Affected: yes.
Comment: The P191R variant in the DCX gene has been reported previously in an individual with subcortical band heterotopia (Gleeson et al., 1999). Functional studies indicate that this variant impacts the function of the DCX protein (Bechstedt et al., 2012, Bechstedt et al., 2014). The P191R variant is not observed in large population cohorts (Lek et al., 2016; 1000 Genomes Consortium et al., 2015; Exome Variant Server). The P191R variant is a non-conservative amino acid substitution, which is likely to impact secondary protein structure as these residues differ in polarity, charge, size and/or other properties. Additionally, this substitution occurs at a position that is conserved across species, and in silico analysis predicts this variant is probably damaging to the protein structure/function. Furthermore, missense variants at the same position (P191L) and in multiple nearby residues have been reported in the Human Gene Mutation Database in association with DCX-related disorders (Stenson et al., 2014), supporting the functional importance of this region of the protein.

Genetic Services Laboratory, University of Chicago
Classification: Pathogenic for Abnormality of neuronal migration. Last evaluated: 2013-02-08. Review status: criteria provided, single submitter. Criteria: ACMG Guidelines, 2007. Collection method: clinical testing. Allele origin: germline. Inheritance: Autosomal dominant inheritance. Affected: yes.

NM_001195553.2(DCX):c.572C>G (p.Pro191Arg)

Gene: DCX (doublecortin; minus strand). Cytogenetic location: Xq23.
Variant type: single nucleotide variant.
Coding change: c.572C>G on transcript NM_001195553.2 (MANE Select); coding-DNA position 572, C replaced by G.
Protein change: p.Pro191Arg; replaces proline 191 with arginine.
Molecular consequence: missense variant.
Genome position (GRCh38, 1-based): chrX:111,401,123, G>C on the plus strand (C>G on the coding strand, the complement: DCX is on the minus strand). VCF-style: chrX-111401123-G-C. GRCh37 (hg19) VCF-style: chrX-110644351-G-C.
Other names: c.815C>G, p.Pro272Arg (NM_000555.3); c.572C>G, p.Pro191Arg (NM_001369370.1, NM_001369371.1, NM_001369372.1 and 5 more transcripts); short protein forms P191R, P272R.
Identifiers: ClinVar variation 158481 (VCV000158481.7), dbSNP rs587783566, ClinGen allele CA172007.